The following is an entry in ClinVar:

NM_014639.4(SKIC3):c.2224G>T (p.Val742Phe)

Gene: SKIC3 (SKI3 subunit of superkiller complex; minus strand). Cytogenetic location: 5q15.
Variant type: single nucleotide variant.
Coding change: c.2224G>T on transcript NM_014639.4 (MANE Select); coding-DNA position 2224, G replaced by T.
Protein change: p.Val742Phe; replaces valine 742 with phenylalanine.
Molecular consequence: missense variant.
Genome position (GRCh38, 1-based): chr5:95,517,213, C>A on the plus strand (G>T on the coding strand, the complement: SKIC3 is on the minus strand). VCF-style: chr5-95517213-C-A. GRCh37 (hg19) VCF-style: chr5-94852917-C-A.
Other names: short protein forms V742F.
Identifiers: ClinVar variation 1362205 (VCV001362205.3), dbSNP rs756944443, ClinGen allele CA3347133.

ClinVar aggregate classification (germline): Uncertain significance (1 of 4 stars; one submission).

Allele frequency attached by ClinVar (database versions not stated): ExAC 0.00001; gnomAD exomes 0.00001.
gnomAD v4.1: 18 of 1,613,346 alleles (0.0011%); highest among the groups gnomAD compares: Admixed American, 0.0033%; no homozygotes.

Submission:

Labcorp Genetics (formerly Invitae), Labcorp
Classification: Uncertain significance. Last evaluated: 2021-10-10. Review status: criteria provided, single submitter. Criteria: Invitae Variant Classification Sherloc (09022015). Collection method: clinical testing. Allele origin: germline.
Comment: This sequence change replaces valine with phenylalanine at codon 742 of the TTC37 protein (p.Val742Phe). The valine residue is weakly conserved and there is a small physicochemical difference between valine and phenylalanine. This variant is present in population databases (rs756944443, ExAC 0.009%). This variant has not been reported in the literature in individuals affected with TTC37-related conditions. Algorithms developed to predict the effect of missense changes on protein structure and function (SIFT, PolyPhen-2, Align-GVGD) all suggest that this variant is likely to be tolerated. In summary, the available evidence is currently insufficient to determine the role of this variant in disease. Therefore, it has been classified as a Variant of Uncertain Significance.